The following is an entry in ClinVar:

ClinVar aggregate classification (germline): Benign/Likely benign. Review status: criteria provided, multiple submitters, no conflicts (2 of 4 stars). 3 submissions from 3 submitters: Benign (1); Likely benign (2). Last evaluated 2024-03-05.

Conditions:
Familial adenomatous polyposis 1 (FAP1). Also called: FAMILIAL ADENOMATOUS POLYPOSIS 1, ATTENUATED; POLYPOSIS, ADENOMATOUS INTESTINAL. Identifiers: MedGen C2713442, MONDO:0021056, OMIM 175100. Disease mechanism: loss of function.
Hereditary cancer-predisposing syndrome. Also called: Hereditary neoplastic syndrome; Tumor predisposition; Hereditary Cancer Syndrome; Neoplastic Syndromes, Hereditary. Identifiers: Orphanet 140162, MedGen C0027672, MeSH D009386, MONDO:0015356.

Submissions (3):

Myriad Genetics, Inc.
Classification: Benign for Familial adenomatous polyposis 1. Last evaluated: 2024-03-05. Review status: criteria provided, single submitter. Criteria: Myriad Autosomal Dominant, Autosomal Recessive and X-Linked Classification Criteria (2023). Collection method: clinical testing. Allele origin: unknown.
Comment: This variant is considered benign. This variant is a silent/synonymous amino acid change and it is not expected to impact splicing.

Color Diagnostics, LLC DBA Color Health
Classification: Likely benign for Hereditary cancer-predisposing syndrome. Last evaluated: 2023-09-12. Review status: criteria provided, single submitter. Criteria: ACMG Guidelines, 2015. Collection method: clinical testing. Allele origin: germline.

Ambry Genetics
Classification: Likely benign for Hereditary cancer-predisposing syndrome. Last evaluated: 2023-08-03. Review status: criteria provided, single submitter. Criteria: Ambry Variant Classification Scheme 2023. Collection method: clinical testing. Allele origin: germline.

NM_000038.6(APC):c.1536T>C (p.Asp512=)

Gene: APC (APC regulator of Wnt signaling pathway; plus strand). Cytogenetic location: 5q22.2.
Variant type: single nucleotide variant.
Coding change: c.1536T>C on transcript NM_000038.6 (MANE Select); coding-DNA position 1536, T replaced by C.
Protein change: p.Asp512=; no amino-acid change (aspartic acid 512 retained).
Molecular consequence: synonymous variant.
Genome position (GRCh38, 1-based): chr5:112,827,235, T>C. VCF-style: chr5-112827235-T-C. GRCh37 (hg19) VCF-style: chr5-112162932-T-C.
Other names: c.1536T>C, p.Asp512= (NM_001127510.3, NM_001354895.2, NM_001407450.1); c.1482T>C, p.Asp494= (NM_001127511.3); c.1590T>C, p.Asp530= (NM_001354896.2, NM_001407447.1, NM_001407448.1 and 1 more transcripts); c.1566T>C, p.Asp522= (NM_001354897.2); c.1461T>C, p.Asp487= (NM_001354898.2); c.1452T>C, p.Asp484= (NM_001354899.2); c.1413T>C, p.Asp471= (NM_001354900.2); c.1359T>C, p.Asp453= (NM_001354901.2, NM_001407453.1); and 11 more.
Identifiers: ClinVar variation 2587010 (VCV002587010.4), dbSNP rs2533202790, ClinGen allele CA445756164.